The following is an entry in ClinVar:

NM_015311.3(OBSL1):c.4712A>T (p.Glu1571Val)

Gene: OBSL1 (obscurin like cytoskeletal adaptor 1; minus strand). Cytogenetic location: 2q35.
Variant type: single nucleotide variant.
Coding change: c.4712A>T on transcript NM_015311.3 (MANE Select); coding-DNA position 4712, A replaced by T.
Protein change: p.Glu1571Val; replaces glutamic acid 1571 with valine.
Molecular consequence: missense variant.
Genome position (GRCh38, 1-based): chr2:219,554,638, T>A on the plus strand (A>T on the coding strand, the complement: OBSL1 is on the minus strand). VCF-style: chr2-219554638-T-A. GRCh37 (hg19) VCF-style: chr2-220419360-T-A.
Other names: short protein forms E1571V.
Identifiers: ClinVar variation 1425704 (VCV001425704.7), dbSNP rs758434311, ClinGen allele CA2130449.

ClinVar aggregate classification (germline): Uncertain significance (1 of 4 stars; one submission).

Allele frequency attached by ClinVar (database versions not stated): TOPMed below 0.00001; gnomAD 0.00001; gnomAD exomes 0.00001 and 0.00003; ExAC 0.00006.
gnomAD v4.1: 18 of 1,610,574 alleles (0.0011%); highest among the groups gnomAD compares: South Asian, 0.02%; no homozygotes.

Submission:

Labcorp Genetics (formerly Invitae), Labcorp
Classification: Uncertain significance. Last evaluated: 2021-07-22. Review status: criteria provided, single submitter. Criteria: Invitae Variant Classification Sherloc (09022015). Collection method: clinical testing. Allele origin: germline.
Comment: This sequence change replaces glutamic acid with valine at codon 1571 of the OBSL1 protein (p.Glu1571Val). The glutamic acid residue is weakly conserved and there is a moderate physicochemical difference between glutamic acid and valine. This variant is present in population databases (rs758434311, ExAC 0.04%). This variant has not been reported in the literature in individuals affected with OBSL1-related conditions. Algorithms developed to predict the effect of missense changes on protein structure and function (SIFT, PolyPhen-2, Align-GVGD) all suggest that this variant is likely to be tolerated. Algorithms developed to predict the effect of sequence changes on RNA splicing suggest that this variant may create or strengthen a splice site. In summary, the available evidence is currently insufficient to determine the role of this variant in disease. Therefore, it has been classified as a Variant of Uncertain Significance.